The following is an entry in ClinVar:

ClinVar aggregate classification (germline): Conflicting classifications of pathogenicity. Review status: criteria provided, conflicting classifications (1 of 4 stars). 5 submissions from 5 submitters: Uncertain significance (3); Likely benign (2). Last evaluated 2025-07-30.

Conditions:
Hereditary breast ovarian cancer syndrome. Also called: Hereditary breast and ovarian cancer syndrome; BRCA1- and BRCA2-Associated Hereditary Breast and Ovarian Cancer; Breast and ovarian cancer; Hereditary breast and/or ovarian cancer syndrome; Hereditary breast and ovarian cancer; Hereditary breast and ovarian cancer syndrome (HBOC). Identifiers: Orphanet 145, MedGen C0677776, MeSH D061325, MONDO:0003582. Disease mechanism: loss of function.
Hereditary cancer-predisposing syndrome. Also called: Neoplastic Syndromes, Hereditary; Tumor predisposition; Hereditary Cancer Syndrome; Hereditary neoplastic syndrome. Identifiers: Orphanet 140162, MedGen C0027672, MeSH D009386, MONDO:0015356.

Submissions (5):

Labcorp Genetics (formerly Invitae), Labcorp
Classification: Uncertain significance for Hereditary breast ovarian cancer syndrome. Last evaluated: 2025-07-30. Review status: criteria provided, single submitter. Criteria: Invitae Variant Classification Sherloc (09022015). Collection method: clinical testing. Allele origin: germline.
Comment: This sequence change replaces proline, which is neutral and non-polar, with serine, which is neutral and polar, at codon 1238 of the BRCA1 protein (p.Pro1238Ser). This variant is not present in population databases (gnomAD no frequency). This variant has not been reported in the literature in individuals affected with BRCA1-related conditions. ClinVar contains an entry for this variant (Variation ID: 232448). Invitae Evidence Modeling of protein sequence and biophysical properties (such as structural, functional, and spatial information, amino acid conservation, physicochemical variation, residue mobility, and thermodynamic stability) indicates that this missense variant is not expected to disrupt BRCA1 protein function with a negative predictive value of 80%. In summary, the available evidence is currently insufficient to determine the role of this variant in disease. Therefore, it has been classified as a Variant of Uncertain Significance.

Quest Diagnostics Nichols Institute San Juan Capistrano
Classification: Uncertain significance. Last evaluated: 2024-10-27. Review status: criteria provided, single submitter. Criteria: Quest Diagnostics criteria. Collection method: clinical testing. Allele origin: unknown.
Comment: The BRCA1 c.3712C>T (p.Pro1238Ser) variant has been reported in the published literature in an individual affected with glioblastomas (PMID: 26933808 (2020)), and described to be located in a region of the BRCA1 gene that is tolerant to missense sequence changes (PMID: 31911673 (2020)). This variant has not been reported in large, multi-ethnic general populations (Genome Aggregation Database). Analysis of this variant using bioinformatics tools for the prediction of the effect of amino acid changes on protein structure and function yielded conflicting predictions that this variant is deleterious or benign. Based on the available information, we are unable to determine the clinical significance of this variant.

Ambry Genetics
Classification: Uncertain significance for Hereditary cancer-predisposing syndrome. Last evaluated: 2024-06-11. Review status: criteria provided, single submitter. Criteria: Ambry Variant Classification Scheme 2023. Collection method: clinical testing. Allele origin: germline.
Comment: The p.P1238S variant (also known as c.3712C>T), located in coding exon 9 of the BRCA1 gene, results from a C to T substitution at nucleotide position 3712. The proline at codon 1238 is replaced by serine, an amino acid with similar properties. This amino acid position is well conserved in available vertebrate species. In addition, the in silico prediction for this alteration is inconclusive. Based on the available evidence, the clinical significance of this variant remains unclear.

University of Washington Department of Laboratory Medicine, University of Washington
Classification: Likely benign for Hereditary cancer-predisposing syndrome. Last evaluated: 2023-03-23. Review status: criteria provided, single submitter. Criteria: Dines et al. (Genet Med. 2020). Collection method: curation. Allele origin: germline.
Comment: Missense variant in a coldspot region where missense variants are very unlikely to be pathogenic (PMID:31911673).

BRCA1 coldspot (exon 11 using historical exon numbering). Reclassification based on statistical prior probability

GeneDx
Classification: Likely benign. Last evaluated: 2016-12-15. Review status: criteria provided, single submitter. Criteria: GeneDx Variant Classification (06012015). Collection method: clinical testing. Allele origin: germline. Affected: yes.
Comment: This variant is considered likely benign or benign based on one or more of the following criteria: it is a conservative change, it occurs at a poorly conserved position in the protein, it is predicted to be benign by multiple in silico algorithms, and/or has population frequency not consistent with disease.

Literature cited by the submitters: PubMed 26933808 (cited by Quest Diagnostics Nichols Institute San Juan Capistrano and Ambry Genetics); PubMed 31911673 (cited by Quest Diagnostics Nichols Institute San Juan Capistrano).

NM_007294.4(BRCA1):c.3712C>T (p.Pro1238Ser)

Genes: BRCA1 (BRCA1 DNA repair associated; minus strand), LOC126862571 (BRD4-independent group 4 enhancer GRCh37_chr17:41243136-41244335; plus strand). Cytogenetic location: 17q21.31.
Variant type: single nucleotide variant.
Coding change: c.3712C>T on transcript NM_007294.4 (MANE Select); coding-DNA position 3712, C replaced by T.
Protein change: p.Pro1238Ser; replaces proline 1238 with serine.
Molecular consequence: missense variant. On other transcripts: intron variant (135).
Genome position (GRCh38, 1-based): chr17:43,091,819, G>A on the plus strand (C>T on the coding strand, the complement: BRCA1 is on the minus strand). VCF-style: chr17-43091819-G-A. GRCh37 (hg19) VCF-style: chr17-41243836-G-A.
Other names: c.3571C>T, p.Pro1191Ser (NM_001407942.1, NM_001407944.1, NM_001407945.1 and 29 more transcripts); c.3568C>T, p.Pro1190Ser (NM_001407943.1, NM_001407964.1, NM_001407740.1 and 20 more transcripts); c.3379C>T, p.Pro1127Ser (NM_001407946.1, NM_001407947.1, NM_001407948.1 and 6 more transcripts); c.3376C>T, p.Pro1126Ser (NM_001407954.1, NM_001407955.1, NM_001407956.1 and 1 more transcripts); c.3331C>T, p.Pro1111Ser (NM_001407959.1, NM_001407960.1, NM_001407963.1); c.3328C>T, p.Pro1110Ser (NM_001407962.1); c.3208C>T, p.Pro1070Ser (NM_001407965.1); c.2824C>T, p.Pro942Ser (NM_001407966.1, NM_001407967.1); and 41 more; short protein forms P1238S, P1191S, P1126S, P1127S, P1167S, P1170S, P1197S, P1237S.
Identifiers: ClinVar variation 232448 (VCV000232448.20), dbSNP rs876659772, ClinGen allele CA10580553.
Genomic context (GRCh38, chr17:43,091,819, plus strand): 5'-CCTCTGTGTTCTTAGACAGACACTCGGTAGCAACGGTGCTATGCCTAGTAGACTGAGAAG[G>A]TATATTGTTTACTTTACCAAATAACAAGTGTTGGAAGCAGGGAAGCTCTTCATCCTCACT-3'
Protein context (NP_009225.1, residues 1228-1248): HLLFGKVNNI[Pro1238Ser]SQSTRHSTVA